The following is an entry in ClinVar:

NM_020699.4(GATAD2B):c.883G>A (p.Ala295Thr)

Gene: GATAD2B (GATA zinc finger domain containing 2B; minus strand). Cytogenetic location: 1q21.3.
Variant type: single nucleotide variant.
Coding change: c.883G>A on transcript NM_020699.4 (MANE Select); coding-DNA position 883, G replaced by A.
Protein change: p.Ala295Thr; replaces alanine 295 with threonine.
Molecular consequence: missense variant.
Genome position (GRCh38, 1-based): chr1:153,817,389, C>T on the plus strand (G>A on the coding strand, the complement: GATAD2B is on the minus strand). VCF-style: chr1-153817389-C-T. GRCh37 (hg19) VCF-style: chr1-153789865-C-T.
Other names: short protein forms A295T.
Identifiers: ClinVar variation 1918504 (VCV001918504.7), dbSNP rs767882116, ClinGen allele CA1120754.

ClinVar aggregate classification (germline): Uncertain significance. Review status: criteria provided, multiple submitters, no conflicts (2 of 4 stars). 2 submissions from 2 submitters: Uncertain significance (2). Last evaluated 2025-12-09.

Allele frequency attached by ClinVar (database versions not stated): TOPMed below 0.00001; ExAC 0.00001.

Submissions (2):

Dasa
Classification: Uncertain significance. Last evaluated: 2025-12-09. Review status: criteria provided, single submitter. Criteria: DASA Assertion Criteria. Collection method: clinical testing. Allele origin: germline.
Comment: NM_020699.4(GATAD2B):c.883G>A (p.Ala295Thr) is a missense variant that results in the substitution of alanine with threonine. This variant is rare in population databases. Computational prediction algorithms are consistent with a benign effect. The currently available literature and clinical evidence are not sufficient to establish a definitive association between this variant and the reported condition. Therefore, this variant is classified as a variant of uncertain significance.

Labcorp Genetics (formerly Invitae), Labcorp
Classification: Uncertain significance. Last evaluated: 2025-04-05. Review status: criteria provided, single submitter. Criteria: Invitae Variant Classification Sherloc (09022015). Collection method: clinical testing. Allele origin: germline.
Comment: This sequence change replaces alanine, which is neutral and non-polar, with threonine, which is neutral and polar, at codon 295 of the GATAD2B protein (p.Ala295Thr). The frequency data for this variant in the population databases is considered unreliable, as metrics indicate poor data quality at this position in the gnomAD database. This variant has not been reported in the literature in individuals affected with GATAD2B-related conditions. ClinVar contains an entry for this variant (Variation ID: 1918504). Invitae Evidence Modeling of protein sequence and biophysical properties (such as structural, functional, and spatial information, amino acid conservation, physicochemical variation, residue mobility, and thermodynamic stability) indicates that this missense variant is not expected to disrupt GATAD2B protein function with a negative predictive value of 80%. In summary, the available evidence is currently insufficient to determine the role of this variant in disease. Therefore, it has been classified as a Variant of Uncertain Significance.